The following is an entry in ClinVar:

ClinVar aggregate classification (germline): Uncertain significance (1 of 4 stars; one submission).

Submission:

GeneDx
Classification: Uncertain significance. Last evaluated: 2019-04-02. Review status: criteria provided, single submitter. Criteria: GeneDx Variant Classification Process June 2021. Collection method: clinical testing. Allele origin: germline. Affected: yes.
Comment: Not observed in large population cohorts (Lek et al., 2016); In silico analysis, which includes protein predictors and evolutionary conservation, supports a deleterious effect; Has not been previously published as pathogenic or benign to our knowledge

NM_022455.5(NSD1):c.4748G>T (p.Cys1583Phe)

Gene: NSD1 (nuclear receptor binding SET domain protein 1; plus strand). Cytogenetic location: 5q35.3.
Variant type: single nucleotide variant.
Coding change: c.4748G>T on transcript NM_022455.5 (MANE Select); coding-DNA position 4748, G replaced by T.
Protein change: p.Cys1583Phe; replaces cysteine 1583 with phenylalanine.
Molecular consequence: missense variant.
Genome position (GRCh38, 1-based): chr5:177,251,836, G>T. VCF-style: chr5-177251836-G-T. GRCh37 (hg19) VCF-style: chr5-176678837-G-T.
Other names: c.3875G>T, p.Cys1292Phe (NM_001365684.2, NM_001409306.1, NM_001409307.1 and 3 more transcripts); c.4748G>T, p.Cys1583Phe (NM_001409301.1, NM_001409302.1, NM_001409303.1); c.4328G>T, p.Cys1443Phe (NM_001409304.1); c.3995G>T, p.Cys1332Phe (NM_001409305.1); short protein forms C1314F, C1583F, C1443F, C1332F, C1292F.
Identifiers: ClinVar variation 1308490 (VCV001308490.2), dbSNP rs2149904611, ClinGen allele CA362352379.